The following is an entry in ClinVar:

ClinVar aggregate classification (germline): Conflicting classifications of pathogenicity. Review status: criteria provided, conflicting classifications (1 of 4 stars). 5 submissions from 5 submitters: Uncertain significance (4); Likely benign (1). Last evaluated 2025-12-29.

Conditions:
ALK-related disorder. Also called: ALK-related condition.
Hereditary cancer-predisposing syndrome. Also called: Tumor predisposition; Neoplastic Syndromes, Hereditary; Hereditary Cancer Syndrome; Hereditary neoplastic syndrome. Identifiers: Orphanet 140162, MedGen C0027672, MeSH D009386, MONDO:0015356.
Neuroblastoma, susceptibility to, 3. Also called: ALK-Related Neuroblastic Tumor Susceptibility. Identifiers: Orphanet 635, MedGen C2751681, MONDO:0013083, OMIM 613014.

Allele frequency attached by ClinVar (database versions not stated): gnomAD exomes below 0.00001; TOPMed below 0.00001; ExAC 0.00001; gnomAD 0.00001; ESP Exome Variant Server 0.00015.
gnomAD v4.1: 6 of 1,613,624 alleles (0.00037%); highest among the groups gnomAD compares: East Asian, 0.0045%; no homozygotes.

Submissions (5):

Labcorp Genetics (formerly Invitae), Labcorp
Classification: Uncertain significance for Neuroblastoma, susceptibility to, 3. Last evaluated: 2025-12-29. Review status: criteria provided, single submitter. Criteria: Invitae Variant Classification Sherloc (09022015). Collection method: clinical testing. Allele origin: germline.
Comment: This sequence change replaces asparagine, which is neutral and polar, with serine, which is neutral and polar, at codon 941 of the ALK protein (p.Asn941Ser). This variant is present in population databases (rs368654781, gnomAD 0.01%). This variant has not been reported in the literature in individuals affected with ALK-related conditions. ClinVar contains an entry for this variant (Variation ID: 404381). An algorithm developed to predict the effect of missense changes on protein structure and function (PolyPhen-2) suggests that this variant is likely to be disruptive. In summary, the available evidence is currently insufficient to determine the role of this variant in disease. Therefore, it has been classified as a Variant of Uncertain Significance.

Ambry Genetics
Classification: Likely benign for Hereditary cancer-predisposing syndrome. Last evaluated: 2025-05-20. Review status: criteria provided, single submitter. Criteria: Ambry Variant Classification Scheme 2023. Collection method: clinical testing. Allele origin: germline.

Baylor Genetics
Classification: Uncertain significance for Neuroblastoma, susceptibility to, 3. Last evaluated: 2023-08-05. Review status: criteria provided, single submitter. Criteria: ACMG Guidelines, 2015. Collection method: clinical testing. Allele origin: unknown.

GeneDx
Classification: Uncertain significance. Last evaluated: 2022-11-09. Review status: criteria provided, single submitter. Criteria: GeneDx Variant Classification Process June 2021. Collection method: clinical testing. Allele origin: germline. Affected: yes.
Comment: Not observed at significant frequency in large population cohorts (gnomAD); In silico analysis supports that this missense variant does not alter protein structure/function; Has not been previously published as pathogenic or benign to our knowledge; This variant is associated with the following publications: (PMID: 29617658)

PreventionGenetics, part of Exact Sciences
Classification: Uncertain significance for ALK-related condition. Last evaluated: 2022-10-26. Review status: criteria provided, single submitter. Criteria: ACMG Guidelines, 2015. Collection method: clinical testing. Allele origin: germline.
Comment: The ALK c.2822A>G variant is predicted to result in the amino acid substitution p.Asn941Ser. To our knowledge, this variant has not been reported in the literature. This variant is reported in 0.0062% of alleles in individuals of African descent in gnomAD and has been interpreted in ClinVar as uncertain. At this time, the clinical significance of this variant is uncertain due to the absence of conclusive functional and genetic evidence.

NM_004304.5(ALK):c.2822A>G (p.Asn941Ser)

Gene: ALK (ALK receptor tyrosine kinase; minus strand). Cytogenetic location: 2p23.2.
Variant type: single nucleotide variant.
Coding change: c.2822A>G on transcript NM_004304.5 (MANE Select); coding-DNA position 2822, A replaced by G.
Protein change: p.Asn941Ser; replaces asparagine 941 with serine.
Molecular consequence: missense variant.
Genome position (GRCh38, 1-based): chr2:29,227,666, T>C on the plus strand (A>G on the coding strand, the complement: ALK is on the minus strand). VCF-style: chr2-29227666-T-C. GRCh37 (hg19) VCF-style: chr2-29450532-T-C.
Other names: short protein forms N941S.
Identifiers: ClinVar variation 404381 (VCV000404381.12), dbSNP rs368654781, ClinGen allele CA1594166.
Genomic context (GRCh38, chr2:29,227,666, plus strand): 5'-GGACTGATGAAGGAAACCCCATCTTCCCCATCCATTTCGGGGTCATTGTTTGAGGCTGCA[T>C]TGCCGCCTGAGTAGCAAACCAGAGCAGAGTTTAACATGGGGGGTGGGTGCCAAAATCTTA-3'
Protein context (NP_004295.2, residues 931-951): GGGGGGYIGG[Asn941Ser]AASNNDPEMD